The following is an entry in ClinVar:

NM_014671.3(UBE3C):c.3174C>G (p.Pro1058=)

Gene: UBE3C (ubiquitin protein ligase E3C; plus strand). Cytogenetic location: 7q36.3.
Variant type: single nucleotide variant.
Coding change: c.3174C>G on transcript NM_014671.3 (MANE Select); coding-DNA position 3174, C replaced by G.
Protein change: p.Pro1058=; no amino-acid change (proline 1058 retained).
Molecular consequence: synonymous variant.
Genome position (GRCh38, 1-based): chr7:157,267,677, C>G. VCF-style: chr7-157267677-C-G. GRCh37 (hg19) VCF-style: chr7-157060371-C-G.
Identifiers: ClinVar variation 3778160 (VCV003778160.7).
Genomic context (GRCh38, chr7:157,267,677, plus strand): 5'-AGGCTCCGACCTTGAGCGGCTCCCCACAGCCAGCACCTGCATGAACCTGCTGAAGCTCCC[C>G]GAGTTCTATGACGAGACACTTTTGCGAAGTAAACTTCTCTATGCGATTGAATGTGCCGCT-3'
Protein context (NP_055486.2, residues 1048-1068): ASTCMNLLKL[Pro1058=]EFYDETLLRS

ClinVar aggregate classification (germline): Likely benign (1 of 4 stars; one submission).

gnomAD v4.1: 226 of 1,613,752 alleles (0.014%); highest among the groups gnomAD compares: East Asian, 0.5%; no homozygotes.

Submission:

CeGaT Center for Human Genetics Tuebingen
Classification: Likely benign. Last evaluated: 2025-03-01. Review status: criteria provided, single submitter. Criteria: CeGaT Center For Human Genetics Tuebingen Variant Classification Criteria Version 2. Collection method: clinical testing. Allele origin: germline. Affected: yes. Observed: 1 variant allele.
Comment: UBE3C: BP4, BP7